The following is an entry in ClinVar:

ClinVar aggregate classification (germline): Uncertain significance (1 of 4 stars; one submission).

Allele frequency attached by ClinVar (database versions not stated): ExAC 0.00001; gnomAD 0.00001; gnomAD exomes 0.00001; TOPMed 0.00002; ESP Exome Variant Server 0.00008.

Submission:

Labcorp Genetics (formerly Invitae), Labcorp
Classification: Uncertain significance. Last evaluated: 2022-04-15. Review status: criteria provided, single submitter. Criteria: Invitae Variant Classification Sherloc (09022015). Collection method: clinical testing. Allele origin: germline.
Comment: In summary, the available evidence is currently insufficient to determine the role of this variant in disease. Therefore, it has been classified as a Variant of Uncertain Significance. Algorithms developed to predict the effect of missense changes on protein structure and function (SIFT, PolyPhen-2, Align-GVGD) all suggest that this variant is likely to be disruptive. This variant has not been reported in the literature in individuals affected with HSD11B2-related conditions. This variant is present in population databases (rs148998536, gnomAD 0.007%). This sequence change replaces glycine, which is neutral and non-polar, with serine, which is neutral and polar, at codon 120 of the HSD11B2 protein (p.Gly120Ser).

NM_000196.4(HSD11B2):c.358G>A (p.Gly120Ser)

Gene: HSD11B2 (hydroxysteroid 11-beta dehydrogenase 2; plus strand). Cytogenetic location: 16q22.1.
Variant type: single nucleotide variant.
Coding change: c.358G>A on transcript NM_000196.4 (MANE Select); coding-DNA position 358, G replaced by A.
Protein change: p.Gly120Ser; replaces glycine 120 with serine.
Molecular consequence: missense variant.
Genome position (GRCh38, 1-based): chr16:67,435,720, G>A. VCF-style: chr16-67435720-G-A. GRCh37 (hg19) VCF-style: chr16-67469623-G-A.
Other names: short protein forms G120S.
Identifiers: ClinVar variation 2107440 (VCV002107440.4), dbSNP rs148998536, ClinGen allele CA8110604.
Genomic context (GRCh38, chr16:67,435,720, plus strand): 5'-AAGAAACTGGACTCCATGGGCTTCACGGTGCTGGCCACCGTATTGGAGTTGAACAGCCCC[G>A]GTGCCATCGAGCTGCGTACCTGCTGCTCCCCTCGCCTAAGGCTGCTGCAGATGGACCTGA-3'
Protein context (NP_000187.3, residues 110-130): LATVLELNSP[Gly120Ser]AIELRTCCSP